The following is an entry in ClinVar:

NM_014314.4(RIGI):c.1438A>G (p.Arg480Gly)

Gene: RIGI (RNA sensor RIG-I; minus strand). Cytogenetic location: 9p21.1.
Variant type: single nucleotide variant.
Coding change: c.1438A>G on transcript NM_014314.4 (MANE Select); coding-DNA position 1438, A replaced by G.
Protein change: p.Arg480Gly; replaces arginine 480 with glycine.
Molecular consequence: missense variant.
Genome position (GRCh38, 1-based): chr9:32,485,217, T>C on the plus strand (A>G on the coding strand, the complement: RIGI is on the minus strand). VCF-style: chr9-32485217-T-C. GRCh37 (hg19) VCF-style: chr9-32485215-T-C.
Other names: c.1432A>G, p.Arg478Gly (NM_001385907.1); c.1438A>G, p.Arg480Gly (NM_001385909.1); c.997A>G, p.Arg333Gly (NM_001385910.1); c.829A>G, p.Arg277Gly (NM_001385912.1); c.1423A>G, p.Arg475Gly (NM_001385913.1); c.994A>G, p.Arg332Gly (NM_001385914.1); short protein forms R475G, R480G, R332G, R333G, R277G, R478G.
Identifiers: ClinVar variation 4702807 (VCV004702807.1).

ClinVar aggregate classification (germline): Uncertain significance (1 of 4 stars; one submission).

gnomAD v4.1: 5 of 1,609,918 alleles (0.00031%); highest among the groups gnomAD compares: Non-Finnish European, 0.00034%; no homozygotes.

Submission:

Labcorp Genetics (formerly Invitae), Labcorp
Classification: Uncertain significance. Last evaluated: 2025-03-16. Review status: criteria provided, single submitter. Criteria: Invitae Variant Classification Sherloc (09022015). Collection method: clinical testing. Allele origin: germline.
Comment: This sequence change replaces arginine, which is basic and polar, with glycine, which is neutral and non-polar, at codon 480 of the DDX58 protein (p.Arg480Gly). This variant is present in population databases (rs748007335, gnomAD 0.0009%). This variant has not been reported in the literature in individuals affected with DDX58-related conditions. Invitae Evidence Modeling of protein sequence and biophysical properties (such as structural, functional, and spatial information, amino acid conservation, physicochemical variation, residue mobility, and thermodynamic stability) indicates that this missense variant is not expected to disrupt DDX58 protein function with a negative predictive value of 80%. In summary, the available evidence is currently insufficient to determine the role of this variant in disease. Therefore, it has been classified as a Variant of Uncertain Significance.